The following is an entry in ClinVar:

NM_015346.4(ZFYVE26):c.3646C>T (p.Gln1216Ter)

Gene: ZFYVE26 (zinc finger FYVE-type containing 26; minus strand). Cytogenetic location: 14q24.1.
Variant type: single nucleotide variant.
Coding change: c.3646C>T on transcript NM_015346.4 (MANE Select); coding-DNA position 3646, C replaced by T.
Protein change: p.Gln1216Ter; replaces glutamine 1216 with a stop codon.
Molecular consequence: nonsense.
Genome position (GRCh38, 1-based): chr14:67,783,506, G>A on the plus strand (C>T on the coding strand, the complement: ZFYVE26 is on the minus strand). VCF-style: chr14-67783506-G-A. GRCh37 (hg19) VCF-style: chr14-68250223-G-A.
Other names: short protein forms Q1216*.
Identifiers: ClinVar variation 5012560 (VCV005012560.1).

ClinVar aggregate classification (germline): Pathogenic (1 of 4 stars; one submission).

Conditions:
Hereditary spastic paraplegia 15 (SPG15). Also called: SPASTIC PARAPLEGIA 15, AUTOSOMAL RECESSIVE; KJELLIN SYNDROME; SPASTIC PARAPLEGIA AND RETINAL DEGENERATION. Identifiers: Orphanet 100996, MedGen C1849128, MONDO:0010044, OMIM 270700.

gnomAD v4.1: 1 of 1,613,210 alleles (0.000062%); highest among the groups gnomAD compares: South Asian, 0.0011%; no homozygotes.

Submission:

Myriad Genetics, Inc.
Classification: Pathogenic for Hereditary spastic paraplegia 15. Last evaluated: 2023-12-09. Review status: criteria provided, single submitter. Criteria: Myriad Autosomal Dominant, Autosomal Recessive and X-Linked Classification Criteria (2023). Collection method: clinical testing. Allele origin: unknown.
Comment: NM_015346.3(ZFYVE26):c.3646C>T(Q1216*) is expected to be pathogenic in the context of spastic paraplegia type 15. This variant is predicted to lead to an abnormal or absent protein product due to the creation of a premature termination codon in ZFYVE26, a gene where loss-of-function variants are known to be pathogenic. Please note: this variant was assessed in the context of healthy population screening.